The following is an entry in ClinVar:

NM_022124.6(CDH23):c.2008A>T (p.Thr670Ser)

Gene: CDH23 (cadherin related 23; plus strand). Cytogenetic location: 10q22.1.
Variant type: single nucleotide variant.
Coding change: c.2008A>T on transcript NM_022124.6 (MANE Select); coding-DNA position 2008, A replaced by T.
Protein change: p.Thr670Ser; replaces threonine 670 with serine.
Molecular consequence: missense variant.
Genome position (GRCh38, 1-based): chr10:71,687,668, A>T. VCF-style: chr10-71687668-A-T. GRCh37 (hg19) VCF-style: chr10-73447425-A-T.
Other names: c.2008A>T, p.Thr670Ser (NM_001171930.2, NM_001171931.2); c.2008A>T (NM_022124.5); short protein forms T670S.
Identifiers: ClinVar variation 1120070 (VCV001120070.11), dbSNP rs1304555485, ClinGen allele CA377133216.

ClinVar aggregate classification (germline): Uncertain significance. Review status: criteria provided, multiple submitters, no conflicts (2 of 4 stars). 5 submissions from 5 submitters: Uncertain significance (4). 1 of the submissions does not count toward it. Last evaluated 2023-09-26.

Conditions:
Usher syndrome type 1 (USH1). Also called: RETINITIS PIGMENTOSA AND CONGENITAL DEAFNESS. Identifiers: Orphanet 231169, Orphanet 886, MedGen C1568247, MONDO:0010168, OMIM 276900.

Allele frequency attached by ClinVar (database versions not stated): TOPMed below 0.00001; gnomAD 0.00001.
gnomAD v4.1: 5 of 1,612,960 alleles (0.00031%); highest among the groups gnomAD compares: African/African-American, 0.0054%; no homozygotes.

Submissions (5):

Clinical Genetics Laboratory, Skane University Hospital Lund
Classification: Uncertain significance. Last evaluated: 2023-09-26. Review status: criteria provided, single submitter. Criteria: ACMG Guidelines, 2015. Collection method: clinical testing. Allele origin: germline. Affected: yes.

GeneDx
Classification: Uncertain significance. Last evaluated: 2023-01-10. Review status: criteria provided, single submitter. Criteria: GeneDx Variant Classification Process June 2021. Collection method: clinical testing. Allele origin: germline. Affected: yes.
Comment: Not observed at significant frequency in large population cohorts (gnomAD); In silico analysis supports that this missense variant does not alter protein structure/function; Has not been previously published as pathogenic or benign to our knowledge

Labcorp Genetics (formerly Invitae), Labcorp
Classification: Uncertain significance. Last evaluated: 2022-03-10. Review status: criteria provided, single submitter. Criteria: Invitae Variant Classification Sherloc (09022015). Collection method: clinical testing. Allele origin: germline.
Comment: This sequence change replaces threonine, which is neutral and polar, with serine, which is neutral and polar, at codon 670 of the CDH23 protein (p.Thr670Ser). This variant is not present in population databases (gnomAD no frequency). This variant has not been reported in the literature in individuals affected with CDH23-related conditions. ClinVar contains an entry for this variant (Variation ID: 1120070). Algorithms developed to predict the effect of missense changes on protein structure and function are either unavailable or do not agree on the potential impact of this missense change (SIFT: "Deleterious"; PolyPhen-2: "Not Available"; Align-GVGD: "Class C55"). In summary, the available evidence is currently insufficient to determine the role of this variant in disease. Therefore, it has been classified as a Variant of Uncertain Significance.

Laboratory for Molecular Medicine, Mass General Brigham Personalized Medicine
Classification: Uncertain significance. Last evaluated: 2020-06-04. Review status: criteria provided, single submitter. Criteria: LMM Criteria. Collection method: clinical testing. Allele origin: germline. Observed: 2 variant alleles.
Comment: The p.Thr670Ser variant in CDH23 has not been previously reported in individuals with hearing loss or Usher syndrome and was absent from large population studies. Computational prediction tools and conservation analyses suggest that this variant may not impact the protein, though this information is not predictive enough to rule out pathogenicity. In summary, the clinical significance of this variant is uncertain. ACMG/AMP Criteria applied: PM2, BP4.

Natera, Inc.
Classification: Uncertain significance for Usher syndrome type 1. Last evaluated: 2020-10-06. Review status: no assertion criteria provided. Collection method: clinical testing. Allele origin: germline. Not counted in ClinVar's aggregate classification.